The following is an entry in ClinVar:

NM_201384.3(PLEC):c.1957G>A (p.Ala653Thr)

Gene: PLEC (plectin; minus strand). Cytogenetic location: 8q24.3.
Variant type: single nucleotide variant.
Coding change: c.1957G>A on transcript NM_201384.3 (MANE Select); coding-DNA position 1957, G replaced by A.
Protein change: p.Ala653Thr; replaces alanine 653 with threonine.
Molecular consequence: missense variant.
Genome position (GRCh38, 1-based): chr8:143,932,420, C>T on the plus strand (G>A on the coding strand, the complement: PLEC is on the minus strand). VCF-style: chr8-143932420-C-T. GRCh37 (hg19) VCF-style: chr8-145006588-C-T.
Other names: c.2038G>A, p.Ala680Thr (NM_000445.5); c.1915G>A, p.Ala639Thr (NM_201378.4); c.1891G>A, p.Ala631Thr (NM_201379.3); c.2368G>A, p.Ala790Thr (NM_201380.4); c.1861G>A, p.Ala621Thr (NM_201381.3); c.1957G>A, p.Ala653Thr (NM_201382.4); c.1969G>A, p.Ala657Thr (NM_201383.3); c.2038G>A (NM_000445.3); short protein forms A790T, A631T, A653T, A657T, A621T, A639T, A680T.
Identifiers: ClinVar variation 283202 (VCV000283202.20), dbSNP rs368435908, ClinGen allele CA4927775.
Genomic context (GRCh38, chr8:143,932,420, plus strand): 5'-AGGGGGCTGTGGGGTTCAGGGCAGCTGGGCCACCGCTCACCGAGTAGCTCTCCTTCTTGG[C>T]GGTCATGTTGGTGTTGCGGTCGCTCCAGTCGAAGCCCACCTCCTCCTCCTCCTTCTCATT-3'
Protein context (NP_958786.1, residues 643-663): DWSDRNTNMT[Ala653Thr]KKESYSALMR

ClinVar aggregate classification (germline): Conflicting classifications of pathogenicity. Review status: criteria provided, conflicting classifications (1 of 4 stars). 6 submissions from 6 submitters: Uncertain significance (5); Likely benign (1). Last evaluated 2026-03-03.

Conditions:
PLEC-related disorder. Also called: PLEC-related condition; PLEC-related disorders.
Epidermolysis bullosa simplex 5C, with pyloric atresia (EBS5C). Also called: PLEC-Related Epidermolysis Bullosa with Pyloric Atresia; Epidermolysis bullosa simplex with pyloric atresia; PLEC1-Related Epidermolysis Bullosa with Pyloric Atresia. Identifiers: Orphanet 158684, MedGen C2677349, MONDO:0012807, OMIM 612138.
Epidermolysis bullosa simplex with nail dystrophy (EBS5D). Identifiers: MedGen C4225309, MONDO:0014661, OMIM 616487.
Autosomal recessive limb-girdle muscular dystrophy type 2Q (LGMDR17). Also called: MUSCULAR DYSTROPHY, LIMB-GIRDLE, AUTOSOMAL RECESSIVE 17. Identifiers: Orphanet 254361, MedGen C3150989, MONDO:0013390, OMIM 613723.
Epidermolysis bullosa simplex, Ogna type (EBS5A). Also called: Pidermolysis bullosa simplex 5A, Ogna type; EPIDERMOLYSIS BULLOSA SIMPLEX 5A, OGNA TYPE. Identifiers: Orphanet 79401, MedGen C0432317, MONDO:0007555, OMIM 131950.
Epidermolysis bullosa simplex 5B, with muscular dystrophy (EBS5B). Also called: EPIDERMOLYSIS BULLOSA SIMPLEX AND LIMB-GIRDLE MUSCULAR DYSTROPHY; Epidermolysis bullosa simplex with muscular dystrophy. Identifiers: Orphanet 257, MedGen C2931072, MONDO:0009181, OMIM 226670.
Inborn genetic diseases. Identifiers: MedGen C0950123, MeSH D030342.

Allele frequency attached by ClinVar (database versions not stated): gnomAD 0.00014 and 0.00015; ESP Exome Variant Server 0.00016; TOPMed 0.00018.
gnomAD v4.1: 432 of 1,612,806 alleles (0.027%); highest among the groups gnomAD compares: Non-Finnish European, 0.033%; no homozygotes.

Submissions (6):

PreventionGenetics, part of Exact Sciences
Classification: Uncertain significance for PLEC-related condition. Last evaluated: 2026-03-03. Review status: criteria provided, single submitter. Criteria: ACMG Guidelines, 2015. Collection method: clinical testing. Allele origin: germline.
Comment: The PLEC c.2038G>A variant is predicted to result in the amino acid substitution p.Ala680Thr. To our knowledge, this variant has not been reported in the literature. This variant is reported in 0.019% of alleles in individuals of European (Non-Finnish) descent in gnomAD. At this time, the clinical significance of this variant is uncertain due to the absence of conclusive functional and genetic evidence.

Labcorp Genetics (formerly Invitae), Labcorp
Classification: Uncertain significance for Autosomal recessive limb-girdle muscular dystrophy type 2Q; Epidermolysis bullosa simplex, Ogna type; Epidermolysis bullosa simplex with nail dystrophy; Epidermolysis bullosa simplex 5C, with pyloric atresia; Epidermolysis bullosa simplex 5B, with muscular dystrophy. Last evaluated: 2025-11-12. Review status: criteria provided, single submitter. Criteria: Invitae Variant Classification Sherloc (09022015). Collection method: clinical testing. Allele origin: germline.
Comment: This sequence change replaces alanine, which is neutral and non-polar, with threonine, which is neutral and polar, at codon 680 of the PLEC protein (p.Ala680Thr). This variant is present in population databases (rs368435908, gnomAD 0.02%). This variant has not been reported in the literature in individuals affected with PLEC-related conditions. ClinVar contains an entry for this variant (Variation ID: 283202). Invitae Evidence Modeling of protein sequence and biophysical properties (such as structural, functional, and spatial information, amino acid conservation, physicochemical variation, residue mobility, and thermodynamic stability) indicates that this missense variant is not expected to disrupt PLEC protein function with a negative predictive value of 80%. In summary, the available evidence is currently insufficient to determine the role of this variant in disease. Therefore, it has been classified as a Variant of Uncertain Significance.

Blueprint Genetics
Classification: Likely benign. Last evaluated: 2024-06-25. Review status: criteria provided, single submitter. Criteria: ACMG Guidelines, 2015. Collection method: clinical testing. Allele origin: germline.

Revvity Omics, Revvity
Classification: Uncertain significance. Last evaluated: 2023-06-12. Review status: criteria provided, single submitter. Criteria: ACMG Guidelines, 2015. Collection method: clinical testing. Allele origin: germline.

Ambry Genetics
Classification: Uncertain significance for Inborn genetic diseases. Last evaluated: 2022-02-17. Review status: criteria provided, single submitter. Criteria: Ambry Variant Classification Scheme 2023. Collection method: clinical testing. Allele origin: germline.

Eurofins Ntd Llc (ga)
Classification: Uncertain significance. Last evaluated: 2015-09-08. Review status: criteria provided, single submitter. Criteria: EGL Classification Definitions 2015. Collection method: clinical testing. Allele origin: germline. Observed: 3 variant alleles, 3 heterozygotes.